The following is an entry in ClinVar:

ClinVar aggregate classification (germline): Uncertain significance (1 of 4 stars; one submission).

Allele frequency attached by ClinVar (database versions not stated): TOPMed 0.00001.

Submission:

Labcorp Genetics (formerly Invitae), Labcorp
Classification: Uncertain significance. Last evaluated: 2022-08-01. Review status: criteria provided, single submitter. Criteria: Invitae Variant Classification Sherloc (09022015). Collection method: clinical testing. Allele origin: germline.
Comment: This variant occurs in a non-coding region of the EYS gene. It does not change the encoded amino acid sequence of the EYS protein. This variant is not present in population databases (gnomAD no frequency). This variant has not been reported in the literature in individuals affected with EYS-related conditions. ClinVar contains an entry for this variant (Variation ID: 1468904). In summary, the available evidence is currently insufficient to determine the role of this variant in disease. Therefore, it has been classified as a Variant of Uncertain Significance.

NM_001142800.2(EYS):c.-253T>A

Gene: EYS (eyes shut homolog; minus strand). Cytogenetic location: 6q12.
Variant type: single nucleotide variant.
Coding change: c.-253T>A on transcript NM_001142800.2 (MANE Select); 253 bases upstream of the start codon, T replaced by A.
Molecular consequence: 5 prime UTR variant.
Genome position (GRCh38, 1-based): chr6:65,495,914, A>T on the plus strand (T>A on the coding strand, the complement: EYS is on the minus strand). VCF-style: chr6-65495914-A-T. GRCh37 (hg19) VCF-style: chr6-66205807-A-T.
Other names: c.-253T>A (NM_001142801.2, NM_001292009.2, NM_198283.2).
Identifiers: ClinVar variation 1468904 (VCV001468904.3), dbSNP rs1285063212, ClinGen allele CA827150019.